The following is an entry in ClinVar:

NM_014927.5(CNKSR2):c.1475C>T (p.Thr492Ile)

Gene: CNKSR2 (connector enhancer of kinase suppressor of Ras 2; plus strand). Cytogenetic location: Xp22.12.
Variant type: single nucleotide variant.
Coding change: c.1475C>T on transcript NM_014927.5 (MANE Select); coding-DNA position 1475, C replaced by T.
Protein change: p.Thr492Ile; replaces threonine 492 with isoleucine.
Molecular consequence: missense variant.
Genome position (GRCh38, 1-based): chrX:21,563,319, C>T. VCF-style: chrX-21563319-C-T. GRCh37 (hg19) VCF-style: chrX-21581437-C-T.
Other names: c.1385C>T, p.Thr462Ile (NM_001168647.3, NM_001330773.2); c.1475C>T, p.Thr492Ile (NM_001168648.3); c.1328C>T, p.Thr443Ile (NM_001168649.3, NM_001330770.2); c.1238C>T, p.Thr413Ile (NM_001330771.2, NM_001330772.2); short protein forms T413I, T443I, T462I, T492I.
Identifiers: ClinVar variation 3900965 (VCV003900965.1).

ClinVar aggregate classification (germline): Uncertain significance (1 of 4 stars; one submission).

Submission:

GeneDx
Classification: Uncertain significance. Last evaluated: 2024-11-30. Review status: criteria provided, single submitter. Criteria: GeneDx Variant Classification Process June 2021. Collection method: clinical testing. Allele origin: germline. Affected: yes.
Comment: Not observed at significant frequency in large population cohorts (gnomAD); In silico analysis indicates that this missense variant does not alter protein structure/function; Has not been previously published as pathogenic or benign to our knowledge